The following is an entry in ClinVar:

ClinVar aggregate classification (germline): Uncertain significance. Review status: criteria provided, multiple submitters, no conflicts (2 of 4 stars). 2 submissions from 2 submitters: Uncertain significance (2). Last evaluated 2025-04-11.

Conditions:
Wiedemann-Steiner syndrome (WDSTS). Also called: Growth deficiency and mental retardation with facial dysmorphism. Identifiers: Orphanet 319182, MedGen C1854630, MONDO:0011518, OMIM 605130.

Submissions (2):

Labcorp Genetics (formerly Invitae), Labcorp
Classification: Uncertain significance. Last evaluated: 2025-04-11. Review status: criteria provided, single submitter. Criteria: Invitae Variant Classification Sherloc (09022015). Collection method: clinical testing. Allele origin: germline.
Comment: This variant, c.197_202dup, results in the insertion of 2 amino acid(s) of the KMT2A protein (p.Ala66_Ala67dup), but otherwise preserves the integrity of the reading frame. This variant is present in population databases (no rsID available, gnomAD 0.06%). This variant has not been reported in the literature in individuals affected with KMT2A-related conditions. ClinVar contains an entry for this variant (Variation ID: 1483453). Experimental studies and prediction algorithms are not available or were not evaluated, and the functional significance of this variant is currently unknown. In summary, the available evidence is currently insufficient to determine the role of this variant in disease. Therefore, it has been classified as a Variant of Uncertain Significance.

Revvity Omics, Revvity
Classification: Uncertain significance for Wiedemann-Steiner syndrome. Last evaluated: 2022-06-24. Review status: criteria provided, single submitter. Criteria: ACMG Guidelines, 2015. Collection method: clinical testing. Allele origin: germline.

NM_001197104.2(KMT2A):c.188CGG[7] (p.Ala66_Ala67dup)

Gene: KMT2A (lysine methyltransferase 2A; plus strand). Cytogenetic location: 11q23.3.
Variant type: Microsatellite.
Coding change: c.188CGG[7] on transcript NM_001197104.2 (MANE Select); seven copies in a row of the 3-base unit CGG starting at c.188; the reference has five copies in a row; two copies, 6 bases duplicated; also written c.197_202dup.
Protein change: p.Ala66_Ala67dup.
Molecular consequence: inframe insertion.
Genome position (GRCh38, 1-based): chr11:118,436,709-118,436,714, CGGCGG duplicated; duplicating any 6 consecutive bases within chr11:118,436,699-118,436,714 gives the same sequence; the position shown is the placement nearest the transcript's 3' end. VCF-style (leftmost placement, unchanged base first): chr11-118436698-C-CGCGGCG. GRCh37 (hg19) VCF-style: chr11-118307413-C-CGCGGCG.
Other names: c.188CGG[7], p.Ala66_Ala67dup (NM_005933.4); c.197_202dup (NM_001197104.1).
Identifiers: ClinVar variation 1483453 (VCV001483453.9), dbSNP rs781936420, ClinGen allele CA602138858.
Genomic context (GRCh38, chr11:118,436,698, plus strand): 5'-CGGGCCCCCGGTCGGCGGTGGCGGCCCCGGGGCGCCCCCCTCCCCCCCGGCTGTGGCGGC[C>CGCGGCG]GCGGCGGCGGCGGCGGGAAGCAGCGGGGCTGGGGTTCCAGGGGGAGCGGCCGCCGCCTCA-3'